The following is an entry in ClinVar:

NM_002755.4(MAP2K1):c.596A>G (p.Asn199Ser)

Gene: MAP2K1 (mitogen-activated protein kinase kinase 1; plus strand). Cytogenetic location: 15q22.31.
Variant type: single nucleotide variant.
Coding change: c.596A>G on transcript NM_002755.4 (MANE Select); coding-DNA position 596, A replaced by G.
Protein change: p.Asn199Ser; replaces asparagine 199 with serine.
Molecular consequence: missense variant.
Genome position (GRCh38, 1-based): chr15:66,481,782, A>G. VCF-style: chr15-66481782-A-G. GRCh37 (hg19) VCF-style: chr15-66774120-A-G.
Other names: c.452A>G, p.Asn151Ser (NM_001411065.1); short protein forms N151S, N199S.
Identifiers: ClinVar variation 1923133 (VCV001923133.6), dbSNP rs1262046641, ClinGen allele CA392936157.
Genomic context (GRCh38, chr15:66,481,782, plus strand): 5'-GTTCCCTCCTTTTCTATTTTCTCTTCCCTGCAGATGTCAAGCCCTCCAACATCCTAGTCA[A>G]CTCCCGTGGGGAGATCAAGCTCTGTGACTTTGGGGTCAGCGGGCAGCTCATCGACTCCAT-3'
Protein context (NP_002746.1, residues 189-209): RDVKPSNILV[Asn199Ser]SRGEIKLCDF

ClinVar aggregate classification (germline): Uncertain significance. Review status: criteria provided, multiple submitters, no conflicts (2 of 4 stars). 2 submissions from 2 submitters: Uncertain significance (2). Last evaluated 2025-06-04.

Conditions:
RASopathy. Also called: Noonan spectrum disorder; rasopathies. Identifiers: Orphanet 536391, MedGen C5555857, MONDO:0021060.
Cardiovascular phenotype. Identifiers: MedGen CN230736.

Allele frequency attached by ClinVar (database versions not stated): gnomAD 0.00001; gnomAD exomes 0.00001; TOPMed 0.00002.
gnomAD v4.1: 19 of 1,612,884 alleles (0.0012%); highest among the groups gnomAD compares: Admixed American, 0.0017%; no homozygotes.

Submissions (2):

Labcorp Genetics (formerly Invitae), Labcorp
Classification: Uncertain significance for RASopathy. Last evaluated: 2025-06-04. Review status: criteria provided, single submitter. Criteria: Invitae Variant Classification Sherloc (09022015). Collection method: clinical testing. Allele origin: germline.
Comment: This sequence change replaces asparagine, which is neutral and polar, with serine, which is neutral and polar, at codon 199 of the MAP2K1 protein (p.Asn199Ser). This variant is present in population databases (no rsID available, gnomAD 0.003%). This missense change has been observed in individual(s) with clinical features of MAP2K1-related conditions (PMID: 33502061). ClinVar contains an entry for this variant (Variation ID: 1923133). Invitae Evidence Modeling of protein sequence and biophysical properties (such as structural, functional, and spatial information, amino acid conservation, physicochemical variation, residue mobility, and thermodynamic stability) has been performed for this missense variant. However, the output from this modeling did not meet the statistical confidence thresholds required to predict the impact of this variant on MAP2K1 protein function. In summary, the available evidence is currently insufficient to determine the role of this variant in disease. Therefore, it has been classified as a Variant of Uncertain Significance.

Ambry Genetics
Classification: Uncertain significance for Cardiovascular phenotype. Last evaluated: 2025-02-20. Review status: criteria provided, single submitter. Criteria: Ambry Variant Classification Scheme 2023. Collection method: clinical testing. Allele origin: germline.

Literature cited by the submitters: PubMed 33502061 (cited by Labcorp Genetics (formerly Invitae), Labcorp and Ambry Genetics); PubMed 34308104 (cited by Ambry Genetics).